The following is an entry in ClinVar:

ClinVar aggregate classification (germline): Likely pathogenic (1 of 4 stars; one submission).

Conditions:
Metaphyseal chondrodysplasia, McKusick type (CHH). Also called: Cartilage-hair hypoplasia; Cartilage-Hair Hypoplasia (CHH). Identifiers: Orphanet 175, MedGen C0220748, MONDO:0009595, OMIM 250250.

Submission:

Natera, Inc.
Classification: Likely pathogenic for Cartilage-hair hypoplasia. Last evaluated: 2025-08-08. Review status: criteria provided, single submitter. Criteria: Natera Variant Classification Schema (03/2026). Collection method: clinical testing. Allele origin: germline.
Comment: The n.-5delGinsAACGTCTCTGTGAAGCTGAGA variant in RMRP is an insertion affecting the RMRP promoter region between the TATA box and the transcription initiation site. Other duplications and insertions just upstream of the transcription initiation site have been reported in individuals affected with cartilage-hair hypoplasia (PMID: 11207361, 17937437). This variant is rare in the general population with a frequency below the threshold expected for the associated phenotype(s). Given the available evidence, this variant is classified as Likely pathogenic.

Literature cited by the submitters: PubMed 11207361; PubMed 17937437.

NR_003051.3(RMRP):n.-5delGinsAACGTCTCTGTGAAGCTGAGA

Gene: RMRP (RNA component of mitochondrial RNA processing endoribonuclease; minus strand). Cytogenetic location: 9p13.3.
Variant type: Indel.
Genome position: GRCh38 VCF-style: chr9-35658023-C-TCTCAGCTTCACAGAGACGTT. GRCh37 (hg19) VCF-style: chr9-35658020-C-TCTCAGCTTCACAGAGACGTT.
Identifiers: ClinVar variation 4817185 (VCV004817185.1).